The following is an entry in ClinVar:

ClinVar aggregate classification (germline): Uncertain significance. Review status: criteria provided, multiple submitters, no conflicts (2 of 4 stars). 2 submissions from 2 submitters: Uncertain significance (2). Last evaluated 2024-03-11.

Conditions:
Autosomal dominant childhood-onset proximal spinal muscular atrophy with contractures (SMALED2A). Also called: Spinal muscular atrophy, lower extremity-predominant, 2A, autosomal dominant; SPINAL MUSCULAR ATROPHY, LOWER EXTREMITY-PREDOMINANT, 2A, CHILDHOOD ONSET, AUTOSOMAL DOMINANT. Identifiers: Orphanet 363447, Orphanet 363454, MedGen C4747715, MONDO:0014121, OMIM 615290.
Inborn genetic diseases. Identifiers: MedGen C0950123, MeSH D030342.

gnomAD v4.1: 18 of 1,589,058 alleles (0.0011%); highest among the groups gnomAD compares: African/African-American, 0.012%; no homozygotes.

Submissions (2):

Labcorp Genetics (formerly Invitae), Labcorp
Classification: Uncertain significance for Autosomal dominant childhood-onset proximal spinal muscular atrophy with contractures. Last evaluated: 2024-03-11. Review status: criteria provided, single submitter. Criteria: Invitae Variant Classification Sherloc (09022015). Collection method: clinical testing. Allele origin: germline.
Comment: This sequence change replaces glutamic acid, which is acidic and polar, with glutamine, which is neutral and polar, at codon 20 of the BICD2 protein (p.Glu20Gln). This variant is present in population databases (no rsID available, gnomAD 0.01%). This variant has not been reported in the literature in individuals affected with BICD2-related conditions. ClinVar contains an entry for this variant (Variation ID: 1053609). Advanced modeling of protein sequence and biophysical properties (such as structural, functional, and spatial information, amino acid conservation, physicochemical variation, residue mobility, and thermodynamic stability) performed at Invitae indicates that this missense variant is not expected to disrupt BICD2 protein function with a negative predictive value of 80%. In summary, the available evidence is currently insufficient to determine the role of this variant in disease. Therefore, it has been classified as a Variant of Uncertain Significance.

Ambry Genetics
Classification: Uncertain significance for Inborn genetic diseases. Last evaluated: 2024-01-03. Review status: criteria provided, single submitter. Criteria: Ambry Variant Classification Scheme 2023. Collection method: clinical testing. Allele origin: germline.

NM_001003800.2(BICD2):c.58G>C (p.Glu20Gln)

Gene: BICD2 (BICD cargo adaptor 2; minus strand). Cytogenetic location: 9q22.31.
Variant type: single nucleotide variant.
Coding change: c.58G>C on transcript NM_001003800.2 (MANE Select); coding-DNA position 58, G replaced by C.
Protein change: p.Glu20Gln; replaces glutamic acid 20 with glutamine.
Molecular consequence: missense variant.
Genome position (GRCh38, 1-based): chr9:92,764,687, C>G on the plus strand (G>C on the coding strand, the complement: BICD2 is on the minus strand). VCF-style: chr9-92764687-C-G. GRCh37 (hg19) VCF-style: chr9-95526969-C-G.
Other names: c.58G>C, p.Glu20Gln (NM_015250.4); c.58G>C (NM_001003800.1); short protein forms E20Q.
Identifiers: ClinVar variation 1053609 (VCV001053609.10), dbSNP rs780000539, ClinGen allele CA196321659.